The following is an entry in ClinVar:

ClinVar aggregate classification (germline): Uncertain significance. Review status: criteria provided, multiple submitters, no conflicts (2 of 4 stars). 2 submissions from 2 submitters: Uncertain significance (2). Last evaluated 2023-01-03.

Conditions:
RAD50-related disorder. Also called: RAD50-related condition.
Hereditary cancer-predisposing syndrome. Also called: Hereditary Cancer Syndrome; Hereditary neoplastic syndrome; Tumor predisposition; Neoplastic Syndromes, Hereditary. Identifiers: Orphanet 140162, MedGen C0027672, MeSH D009386, MONDO:0015356.

Submissions (2):

PreventionGenetics, part of Exact Sciences
Classification: Uncertain significance for RAD50-related condition. Last evaluated: 2023-01-03. Review status: criteria provided, single submitter. Criteria: ACMG Guidelines, 2015. Collection method: clinical testing. Allele origin: germline.
Comment: The RAD50 c.1455A>T variant is predicted to result in the amino acid substitution p.Glu485Asp. To our knowledge, this variant has not been reported in the literature or in a large population database, indicating this variant is rare. This variant has been interpreted as uncertain in ClinVar. At this time, the clinical significance of this variant is uncertain due to the absence of conclusive functional and genetic evidence.

Labcorp Genetics (formerly Invitae), Labcorp
Classification: Uncertain significance for Hereditary cancer-predisposing syndrome. Last evaluated: 2019-03-21. Review status: criteria provided, single submitter. Criteria: Invitae Variant Classification Sherloc (09022015). Collection method: clinical testing. Allele origin: germline.
Comment: In summary, the available evidence is currently insufficient to determine the role of this variant in disease. Therefore, it has been classified as a Variant of Uncertain Significance. This variant is not present in population databases (ExAC no frequency). This variant has not been reported in the literature in individuals with RAD50-related conditions. Algorithms developed to predict the effect of missense changes on protein structure and function are either unavailable or do not agree on the potential impact of this missense change (SIFT: "Tolerated"; PolyPhen-2: "Possibly Damaging"; Align-GVGD: "Class C0"). This sequence change replaces glutamic acid with aspartic acid at codon 485 of the RAD50 protein (p.Glu485Asp). The glutamic acid residue is moderately conserved and there is a small physicochemical difference between glutamic acid and aspartic acid.

NM_005732.4(RAD50):c.1455A>T (p.Glu485Asp)

Gene: RAD50 (RAD50 double strand break repair protein; plus strand). Cytogenetic location: 5q31.1.
Variant type: single nucleotide variant.
Coding change: c.1455A>T on transcript NM_005732.4 (MANE Select); coding-DNA position 1455, A replaced by T.
Protein change: p.Glu485Asp; replaces glutamic acid 485 with aspartic acid.
Molecular consequence: missense variant.
Genome position (GRCh38, 1-based): chr5:132,591,226, A>T. VCF-style: chr5-132591226-A-T. GRCh37 (hg19) VCF-style: chr5-131926918-A-T.
Other names: short protein forms E485D.
Identifiers: ClinVar variation 841725 (VCV000841725.11), dbSNP rs1750690947, ClinGen allele CA360945425.